The following is an entry in ClinVar:

ClinVar aggregate classification (germline): Conflicting classifications of pathogenicity. Review status: criteria provided, conflicting classifications (1 of 4 stars). 2 submissions from 2 submitters: Uncertain significance (1); Likely benign (1). Last evaluated 2023-04-25.

Conditions:
Inborn genetic diseases. Identifiers: MedGen C0950123, MeSH D030342.

Allele frequency attached by ClinVar (database versions not stated): TOPMed below 0.00001; gnomAD 0.00001; gnomAD exomes 0.00001.

Submissions (2):

Ambry Genetics
Classification: Likely benign for Inborn genetic diseases. Last evaluated: 2023-04-25. Review status: criteria provided, single submitter. Criteria: Ambry Variant Classification Scheme 2023. Collection method: clinical testing. Allele origin: germline.

GeneDx
Classification: Uncertain significance. Last evaluated: 2022-11-22. Review status: criteria provided, single submitter. Criteria: GeneDx Variant Classification Process June 2021. Collection method: clinical testing. Allele origin: germline. Affected: yes.
Comment: Not observed at significant frequency in large population cohorts (gnomAD); In silico analysis supports that this missense variant does not alter protein structure/function; Has not been previously published as pathogenic or benign to our knowledge

NM_004937.3(CTNS):c.443T>C (p.Met148Thr)

Genes: CTNS (cystinosin, lysosomal cystine transporter; plus strand), CTNS-AS1 (CTNS antisense RNA 1; minus strand). Cytogenetic location: 17p13.2.
Variant type: single nucleotide variant.
Coding change: c.443T>C on transcript NM_004937.3 (MANE Select); coding-DNA position 443, T replaced by C.
Protein change: p.Met148Thr; replaces methionine 148 with threonine.
Molecular consequence: missense variant. On other transcripts: initiator codon variant (4).
Genome position (GRCh38, 1-based): chr17:3,655,334, T>C. VCF-style: chr17-3655334-T-C. GRCh37 (hg19) VCF-style: chr17-3558628-T-C.
Other names: c.443T>C, p.Met148Thr (NM_001031681.3, NM_001374492.1); c.2T>C, p.Met1Thr (NM_001374493.1, NM_001374494.1, NM_001374495.1 and 1 more transcripts); short protein forms M148T, M1T.
Identifiers: ClinVar variation 2502614 (VCV002502614.4), dbSNP rs199893334, ClinGen allele CA287016446.
Genomic context (GRCh38, chr17:3,655,334, plus strand): 5'-AGGTGATTGGCTGGATCTACTTTGTGGCCTGGTCCATCTCCTTCTACCCTCAGGTGATCA[T>C]GAATTGGAGGCGGAAAAGGTAACCCCCTGGGCCGTATGTGCAGGCTCTCTCGGGGCCCCT-3'
Protein context (NP_004928.2, residues 138-158): WSISFYPQVI[Met148Thr]NWRRKSVIGL